The following is an entry in ClinVar:

ClinVar aggregate classification (germline): Uncertain significance (1 of 4 stars; one submission).

Conditions:
Epidermodysplasia verruciformis. Identifiers: Orphanet 302, MedGen C0014522, MONDO:0009176.

Submission:

Labcorp Genetics (formerly Invitae), Labcorp
Classification: Uncertain significance for Epidermodysplasia verruciformis. Last evaluated: 2021-06-06. Review status: criteria provided, single submitter. Criteria: Invitae Variant Classification Sherloc (09022015). Collection method: clinical testing. Allele origin: germline.
Comment: This sequence change replaces glutamic acid with valine at codon 505 of the TMC6 protein (p.Glu505Val). The glutamic acid residue is moderately conserved and there is a moderate physicochemical difference between glutamic acid and valine. This variant is not present in population databases (ExAC no frequency). This variant has not been reported in the literature in individuals with TMC6-related conditions. Algorithms developed to predict the effect of missense changes on protein structure and function are either unavailable or do not agree on the potential impact of this missense change (SIFT: "Not Available"; PolyPhen-2: "Possibly Damaging"; Align-GVGD: "Not Available"). In summary, the available evidence is currently insufficient to determine the role of this variant in disease. Therefore, it has been classified as a Variant of Uncertain Significance.

NM_001127198.5(TMC6):c.1514A>T (p.Glu505Val)

Gene: TMC6 (transmembrane channel like 6; minus strand). Cytogenetic location: 17q25.3.
Variant type: single nucleotide variant.
Coding change: c.1514A>T on transcript NM_001127198.5 (MANE Select); coding-DNA position 1514, A replaced by T.
Protein change: p.Glu505Val; replaces glutamic acid 505 with valine.
Molecular consequence: missense variant. On other transcripts: non-coding transcript variant (4).
Genome position (GRCh38, 1-based): chr17:78,121,034, T>A on the plus strand (A>T on the coding strand, the complement: TMC6 is on the minus strand). VCF-style: chr17-78121034-T-A. GRCh37 (hg19) VCF-style: chr17-76117115-T-A.
Other names: c.1514A>T, p.Glu505Val (NM_001321185.1, NM_001374593.1, NM_001374594.1 and 4 more transcripts); short protein forms E505V.
Identifiers: ClinVar variation 1493512 (VCV001493512.8), dbSNP rs2145206146, ClinGen allele CA401228032.